The following is an entry in ClinVar:

NM_015015.3(KDM4B):c.1999T>C (p.Phe667Leu)

Gene: KDM4B (lysine demethylase 4B; plus strand). Cytogenetic location: 19p13.3.
Variant type: single nucleotide variant.
Coding change: c.1999T>C on transcript NM_015015.3 (MANE Select); coding-DNA position 1999, T replaced by C.
Protein change: p.Phe667Leu; replaces phenylalanine 667 with leucine.
Molecular consequence: missense variant.
Genome position (GRCh38, 1-based): chr19:5,133,975, T>C. VCF-style: chr19-5133975-T-C. GRCh37 (hg19) VCF-style: chr19-5133986-T-C.
Other names: c.2101T>C, p.Phe701Leu (NM_001411148.1); short protein forms F667L, F701L.
Identifiers: ClinVar variation 3376350 (VCV003376350.1).

ClinVar aggregate classification (germline): Uncertain significance (1 of 4 stars; one submission).

Conditions:
Intellectual developmental disorder, autosomal dominant 65. Also called: MENTAL RETARDATION, AUTOSOMAL DOMINANT 65. Identifiers: MedGen C5543371, MONDO:0023657, OMIM 619320.

gnomAD v4.1: 22 of 1,612,648 alleles (0.0014%); highest among the groups gnomAD compares: Non-Finnish European, 0.0014%; no homozygotes.

Submission:

Pittsburgh Clinical Genomics Laboratory, University of Pittsburgh Medical Center
Classification: Uncertain significance for Intellectual developmental disorder, autosomal dominant 65. Last evaluated: 2024-02-19. Review status: criteria provided, single submitter. Criteria: ACMG Guidelines, 2015. Collection method: clinical testing. Allele origin: germline. Inheritance: Autosomal dominant inheritance. Affected: yes.
Comment: This sequence variant is a single nucleotide substitution (T>C) at position 1999 of the coding sequence of the KDM4B gene that results in a phenylalanine to leucine amino acid change at residue 667 of the lysine demethylase 4B protein. This variant is absent from ClinVar and is present in 1 of 152218 alleles (0.0007%) in the gnomAD population dataset. To our knowledge, this variant has not been observed in an individual affected by a KDM4B-related disorder in the published literature. Multiple bioinformatic tools predict that this amino acid change would be damaging, and the Phe667 residue at this position is highly conserved across the vertebrate species examined. Studies examining the functional consequence of this variant have not been published, to our knowledge. At this time, there is insufficient evidence to determine if this variant is pathogenic or benign. Therefore, we consider this a variant of uncertain significance. ACMG Criteria: PM2, PP3